The following is an entry in ClinVar:

NM_002878.4(RAD51D):c.357T>C (p.Cys119=)

Genes: RAD51D (RAD51 paralog D; minus strand), RAD51L3-RFFL (RAD51L3-RFFL readthrough; minus strand). Cytogenetic location: 17q12.
Variant type: single nucleotide variant.
Coding change: c.357T>C on transcript NM_002878.4 (MANE Select); coding-DNA position 357, T replaced by C.
Protein change: p.Cys119=; no amino-acid change (cysteine 119 retained).
Molecular consequence: synonymous variant. On other transcripts: non-coding transcript variant (1), intron variant (1).
Genome position (GRCh38, 1-based): chr17:35,107,111, A>G on the plus strand (T>C on the coding strand, the complement: RAD51D is on the minus strand). VCF-style: chr17-35107111-A-G. GRCh37 (hg19) VCF-style: chr17-33434130-A-G.
Other names: c.417T>C, p.Cys139= (NM_001142571.2); c.145-630T>C (NM_133629.3).
Identifiers: ClinVar variation 492428 (VCV000492428.15), dbSNP rs1272809785, ClinGen allele CA499731755.

ClinVar aggregate classification (germline): Benign/Likely benign. Review status: criteria provided, multiple submitters, no conflicts (2 of 4 stars). 4 submissions from 4 submitters: Benign (1); Likely benign (3). Last evaluated 2025-02-21.

Conditions:
Hereditary cancer-predisposing syndrome. Also called: Hereditary neoplastic syndrome; Tumor predisposition; Hereditary Cancer Syndrome; Neoplastic Syndromes, Hereditary. Identifiers: Orphanet 140162, MedGen C0027672, MeSH D009386, MONDO:0015356.
Breast-ovarian cancer, familial, susceptibility to, 4. Identifiers: Orphanet 145, MedGen C3280345, MONDO:0013669, OMIM 614291.

Allele frequency attached by ClinVar (database versions not stated): gnomAD exomes below 0.00001.

Submissions (4):

Myriad Genetics, Inc.
Classification: Benign for Breast-ovarian cancer, familial, susceptibility to, 4. Last evaluated: 2025-02-21. Review status: criteria provided, single submitter. Criteria: Myriad Autosomal Dominant, Autosomal Recessive and X-Linked Classification Criteria (2023). Collection method: clinical testing. Allele origin: unknown.
Comment: This variant is considered benign. This variant is a silent/synonymous amino acid change and it is not expected to impact splicing.

Labcorp Genetics (formerly Invitae), Labcorp
Classification: Likely benign for Breast-ovarian cancer, familial, susceptibility to, 4. Last evaluated: 2023-01-26. Review status: criteria provided, single submitter. Criteria: Invitae Variant Classification Sherloc (09022015). Collection method: clinical testing. Allele origin: germline.

Ambry Genetics
Classification: Likely benign for Hereditary cancer-predisposing syndrome. Last evaluated: 2019-07-20. Review status: criteria provided, single submitter. Criteria: Ambry Variant Classification Scheme 2023. Collection method: clinical testing. Allele origin: germline.

Color Diagnostics, LLC DBA Color Health
Classification: Likely benign for Hereditary cancer-predisposing syndrome. Last evaluated: 2017-06-08. Review status: criteria provided, single submitter. Criteria: ACMG Guidelines, 2015. Collection method: clinical testing. Allele origin: germline.